The following is an entry in ClinVar:

ClinVar aggregate classification (germline): Uncertain significance (1 of 4 stars; one submission).

Conditions:
Cardiovascular phenotype. Identifiers: MedGen CN230736.

Submission:

Ambry Genetics
Classification: Uncertain significance for Cardiovascular phenotype. Last evaluated: 2023-12-21. Review status: criteria provided, single submitter. Criteria: Ambry Variant Classification Scheme 2023. Collection method: clinical testing. Allele origin: germline.
Comment: The p.M1649L variant (also known as c.4945A>T), located in coding exon 36 of the ABCA1 gene, results from an A to T substitution at nucleotide position 4945. The methionine at codon 1649 is replaced by leucine, an amino acid with highly similar properties. This amino acid position is conserved. In addition, the in silico prediction for this alteration is inconclusive. Since supporting evidence is limited at this time, the clinical significance of this alteration remains unclear.

NM_005502.4(ABCA1):c.4945A>T (p.Met1649Leu)

Gene: ABCA1 (ATP binding cassette subfamily A member 1; minus strand). Cytogenetic location: 9q31.1.
Variant type: single nucleotide variant.
Coding change: c.4945A>T on transcript NM_005502.4 (MANE Select); coding-DNA position 4945, A replaced by T.
Protein change: p.Met1649Leu; replaces methionine 1649 with leucine.
Molecular consequence: missense variant.
Genome position (GRCh38, 1-based): chr9:104,798,597, T>A on the plus strand (A>T on the coding strand, the complement: ABCA1 is on the minus strand). VCF-style: chr9-104798597-T-A. GRCh37 (hg19) VCF-style: chr9-107560878-T-A.
Other names: short protein forms M1649L.
Identifiers: ClinVar variation 3224761 (VCV003224761.1), dbSNP rs1187832791, ClinGen allele CA374314294.
Genomic context (GRCh38, chr9:104,798,597, plus strand): 5'-GGACGAAGGACATTGCAAAGATGACACAGATGGACACAAGGACATCCACTGATGTGGTCA[T>A]CCTGGAGAGAAAAAGCGTGTGAAAATCTGAGGGGTCTTTGATGCAGTTAGGGCTCAATCA-3'
Protein context (NP_005493.2, residues 1639-1659): TKQQLSEVAL[Met1649Leu]TTSVDVLVSI